The following is an entry in ClinVar:

ClinVar aggregate classification (germline): Uncertain significance (1 of 4 stars; one submission).

Conditions:
Hereditary cancer-predisposing syndrome. Also called: Hereditary neoplastic syndrome; Tumor predisposition; Neoplastic Syndromes, Hereditary; Hereditary Cancer Syndrome. Identifiers: Orphanet 140162, MedGen C0027672, MeSH D009386, MONDO:0015356.

Allele frequency attached by ClinVar (database versions not stated): TOPMed 0.00003; gnomAD 0.00004.
gnomAD v4.1: 6 of 152,128 alleles (0.0039%); highest among the groups gnomAD compares: Non-Finnish European, 0.0074%; no homozygotes.

Submission:

Sema4
Classification: Uncertain significance for Hereditary cancer-predisposing syndrome. Last evaluated: 2021-06-08. Review status: criteria provided, single submitter. Criteria: Sema4 Curation Guidelines. Collection method: curation. Allele origin: germline.
Comment: The BRCA1 c.5193+191T>C variant has not been reported in the literature to our knowledge. It was observed in 1/15420 chromosomes in the Non-Finnish European subpopulation in the large and broad cohorts of the Genome Aggregation Database (PMID: 32461654). The variant has not been reported in ClinVar. The evidence is insufficient to meet ACMG/AMP criteria for classifying the variant as benign or pathogenic. Thus, the clinical significance of this variant is currently uncertain.

NM_007294.4(BRCA1):c.5193+191T>C

Gene: BRCA1 (BRCA1 DNA repair associated; minus strand). Cytogenetic location: 17q21.31.
Variant type: single nucleotide variant.
Coding change: c.5193+191T>C on transcript NM_007294.4 (MANE Select); 191 bases into the intron after coding-DNA position 5193, T replaced by C.
Molecular consequence: intron variant.
Genome position (GRCh38, 1-based): chr17:43,063,142, A>G on the plus strand (T>C on the coding strand, the complement: BRCA1 is on the minus strand). VCF-style: chr17-43063142-A-G. GRCh37 (hg19) VCF-style: chr17-41215159-A-G.
Other names: c.1740+191T>C (NM_001408458.1, NM_001408461.1, NM_001408464.1 and 7 more transcripts); c.4302+191T>C (NM_001407967.1); c.4812+191T>C (NM_001407959.1); c.4926+191T>C (NM_001407931.1, NM_001407932.1, NM_001407928.1 and 4 more transcripts); c.5049+191T>C (NM_001407747.1, NM_001407745.1, NM_001407737.1 and 21 more transcripts); c.4809+191T>C (NM_001407962.1, NM_001407960.1); c.1380+191T>C (NM_001408512.1); c.1503+191T>C (NM_001408510.1); and 72 more.
Identifiers: ClinVar variation 1692974 (VCV001692974.1), dbSNP rs1487423872, ClinGen allele CA626080595.
Genomic context (GRCh38, chr17:43,063,142, plus strand): 5'-GTTTCTCCATGTTGGTCAGGCTGGTCTTGAACTCCCGACATCAGGTGATCCAAGCGCCTC[A>G]GCCTCCCAAAGCGCTGGGATTATAGGTATGAGCCACAGTGCAGGCCTGCATAATTCTTGA-3'